The following is an entry in ClinVar:

NM_198428.3(BBS9):c.1027G>T (p.Gly343Ter)

Gene: BBS9 (Bardet-Biedl syndrome 9; plus strand). Cytogenetic location: 7p14.3.
Variant type: single nucleotide variant.
Coding change: c.1027G>T on transcript NM_198428.3 (MANE Select); coding-DNA position 1027, G replaced by T.
Protein change: p.Gly343Ter; replaces glycine 343 with a stop codon.
Molecular consequence: nonsense. On other transcripts: non-coding transcript variant (3).
Genome position (GRCh38, 1-based): chr7:33,336,451, G>T. VCF-style: chr7-33336451-G-T. GRCh37 (hg19) VCF-style: chr7-33376063-G-T.
Other names: c.1027G>T, p.Gly343Ter (NM_001033604.2, NM_001033605.2, NM_001348036.1 and 7 more transcripts); c.661G>T, p.Gly221Ter (NM_001348037.3, NM_001348044.3, NM_001348045.3 and 1 more transcripts); c.754G>T, p.Gly252Ter (NM_001348038.3, NM_001348039.3); c.892G>T, p.Gly298Ter (NM_001348042.3); short protein forms G298*, G252*, G221*, G343*.
Identifiers: ClinVar variation 2737811 (VCV002737811.3), dbSNP rs2535876276, ClinGen allele CA367254029.
Genomic context (GRCh38, chr7:33,336,451, plus strand): 5'-AACTCTACTGAAATTTAAAATTATGTCTCATTTTCTCTTCCTTATTGTAGTGATTTAAAG[G>T]GAGTGATAGTCACTCTGAGTGATGATGGTCACTTGCAGTGTTCATACCTGGGGACAGATC-3'

ClinVar aggregate classification (germline): Pathogenic (1 of 4 stars; one submission).

Conditions:
Bardet-Biedl syndrome (BBS). Identifiers: Orphanet 110, MedGen C0752166, MONDO:0015229.

Allele frequency attached by ClinVar (database versions not stated): gnomAD exomes 0.00001.
gnomAD v4.1: 5 of 1,613,044 alleles (0.00031%); highest among the groups gnomAD compares: South Asian, 0.0055%; no homozygotes.

Submission:

Labcorp Genetics (formerly Invitae), Labcorp
Classification: Pathogenic for Bardet-Biedl syndrome. Last evaluated: 2023-09-11. Review status: criteria provided, single submitter. Criteria: Invitae Variant Classification Sherloc (09022015). Collection method: clinical testing. Allele origin: germline.
Comment: For these reasons, this variant has been classified as Pathogenic. This variant has not been reported in the literature in individuals affected with BBS9-related conditions. This variant is not present in population databases (gnomAD no frequency). This sequence change creates a premature translational stop signal (p.Gly343*) in the BBS9 gene. It is expected to result in an absent or disrupted protein product. Loss-of-function variants in BBS9 are known to be pathogenic (PMID: 16380913, 20177705).

Literature cited by the submitters: PubMed 16380913; PubMed 20177705.